The following is an entry in ClinVar:

ClinVar aggregate classification (germline): Pathogenic. Review status: criteria provided, multiple submitters, no conflicts (2 of 4 stars). 5 submissions from 5 submitters: Pathogenic (5). Last evaluated 2024-10-28.

Conditions:
Ichthyosis, congenital, autosomal recessive 13. Identifiers: MedGen C4539772, MONDO:0033092, OMIM 617574.
Congenital ichthyosis of skin. Identifiers: MedGen C0020758.

Allele frequency attached by ClinVar (database versions not stated): ExAC 0.00002; gnomAD exomes 0.00002; TOPMed 0.00002.
gnomAD v4.1: 25 of 1,613,756 alleles (0.0015%); highest among the groups gnomAD compares: South Asian, 0.0044%; no homozygotes.

Submissions (5):

Laboratorio de Genetica e Diagnostico Molecular, Hospital Israelita Albert Einstein
Classification: Pathogenic for Ichthyosis, congenital, autosomal recessive 13. Last evaluated: 2024-10-28. Review status: criteria provided, single submitter. Criteria: ACMG Guidelines, 2015. Collection method: clinical testing. Allele origin: germline. Affected: yes.
Comment: ACMG classification criteria: PVS1 very strong, PM2 supporting, PM3 moderate

Labcorp Genetics (formerly Invitae), Labcorp
Classification: Pathogenic. Last evaluated: 2022-08-25. Review status: criteria provided, single submitter. Criteria: Invitae Variant Classification Sherloc (09022015). Collection method: clinical testing. Allele origin: germline.
Comment: This sequence change creates a premature translational stop signal (p.Arg220*) in the SDR9C7 gene. It is expected to result in an absent or disrupted protein product. Loss-of-function variants in SDR9C7 are known to be pathogenic (PMID: 28369735, 28906551, 31671075). This variant is present in population databases (rs774363396, gnomAD 0.003%). This premature translational stop signal has been observed in individual(s) with congenital ichthyosis (PMID: 28906551, 33422619). ClinVar contains an entry for this variant (Variation ID: 488591). For these reasons, this variant has been classified as Pathogenic.

GeneDx
Classification: Pathogenic. Last evaluated: 2022-01-20. Review status: criteria provided, single submitter. Criteria: GeneDx Variant Classification Process June 2021. Collection method: clinical testing. Allele origin: germline. Affected: yes.
Comment: Nonsense variant predicted to result in protein truncation or nonsense mediated decay in a gene for which loss-of-function is a known mechanism of disease; in vitro assays support that the variant results in a non-functional protein (Takeichi et al., 2020); Not observed at significant frequency in large population cohorts (gnomAD); This variant is associated with the following publications: (PMID: 28906551, 31671075)

Uitto Lab, Thomas Jefferson University
Classification: Pathogenic for Congenital ichthyosis of skin. Last evaluated: 2018-06-08. Review status: criteria provided, single submitter. Criteria: ACMG Guidelines, 2015. Collection method: clinical testing. Allele origin: germline. Affected: yes. Study: Rare heritable connective tissue and skin disorders in Iranian cohort.

Institute of Human Genetics Munich, TUM University Hospital
Classification: Pathogenic for Ichthyosis, congenital, autosomal recessive 13. Last evaluated: 2017-12-11. Review status: criteria provided, single submitter. Criteria: Classification criteria August 2017. Collection method: clinical testing. Allele origin: germline. Inheritance: Autosomal recessive inheritance. Affected: yes. Observed: 2 homozygotes.

Literature cited by the submitters: PubMed 28369735 (cited by Labcorp Genetics (formerly Invitae), Labcorp); PubMed 28906551 (cited by Labcorp Genetics (formerly Invitae), Labcorp); PubMed 31671075 (cited by Labcorp Genetics (formerly Invitae), Labcorp); PubMed 33422619 (cited by Labcorp Genetics (formerly Invitae), Labcorp).

NM_148897.3(SDR9C7):c.658C>T (p.Arg220Ter)

Gene: SDR9C7 (short chain dehydrogenase/reductase family 9C member 7; minus strand). Cytogenetic location: 12q13.3.
Variant type: single nucleotide variant.
Coding change: c.658C>T on transcript NM_148897.3 (MANE Select); coding-DNA position 658, C replaced by T.
Protein change: p.Arg220Ter; replaces arginine 220 with a stop codon.
Molecular consequence: nonsense.
Genome position (GRCh38, 1-based): chr12:56,929,456, G>A on the plus strand (C>T on the coding strand, the complement: SDR9C7 is on the minus strand). VCF-style: chr12-56929456-G-A. GRCh37 (hg19) VCF-style: chr12-57323240-G-A.
Other names: c.658C>T (NM_148897.2); short protein forms R220*.
Identifiers: ClinVar variation 488591 (VCV000488591.11), dbSNP rs774363396, ClinGen allele CA6638094.
Genomic context (GRCh38, chr12:56,929,456, plus strand): 5'-GGAAATAATCCTCTCCGTAGCTGTCCCGGGTCTCCTGAGGCAGCCTCTCCCAAAGCTTTC[G>A]CATGCGTGACTCCAGGTTCTCCTTGCCGAGAATGGCTGTCCGATAGTTCCCTGGCTCAAT-3'